The following is an entry in ClinVar:

NM_182914.3(SYNE2):c.8239T>A (p.Leu2747Met)

Gene: SYNE2 (spectrin repeat containing nuclear envelope protein 2; plus strand). Cytogenetic location: 14q23.2.
Variant type: single nucleotide variant.
Coding change: c.8239T>A on transcript NM_182914.3 (MANE Select); coding-DNA position 8239, T replaced by A.
Protein change: p.Leu2747Met; replaces leucine 2747 with methionine.
Molecular consequence: missense variant.
Genome position (GRCh38, 1-based): chr14:64,052,152, T>A. VCF-style: chr14-64052152-T-A. GRCh37 (hg19) VCF-style: chr14-64518870-T-A.
Other names: c.8239T>A, p.Leu2747Met (NM_015180.6); short protein forms L2747M.
Identifiers: ClinVar variation 4754373 (VCV004754373.1).

ClinVar aggregate classification (germline): Uncertain significance (1 of 4 stars; one submission).

Conditions:
Emery-Dreifuss muscular dystrophy 5, autosomal dominant (EDMD5). Also called: EMERY-DREIFUSS MUSCULAR DYSTROPHY 5. Identifiers: Orphanet 261, MedGen C2751805, MONDO:0013072, OMIM 612999.

gnomAD v4.1: 2 of 1,614,148 alleles (0.00012%); highest among the groups gnomAD compares: South Asian, 0.0011%; no homozygotes.

Submission:

Labcorp Genetics (formerly Invitae), Labcorp
Classification: Uncertain significance for Emery-Dreifuss muscular dystrophy 5, autosomal dominant. Last evaluated: 2025-04-29. Review status: criteria provided, single submitter. Criteria: Invitae Variant Classification Sherloc (09022015). Collection method: clinical testing. Allele origin: germline.
Comment: This sequence change replaces leucine, which is neutral and non-polar, with methionine, which is neutral and non-polar, at codon 2747 of the SYNE2 protein (p.Leu2747Met). This variant is not present in population databases (gnomAD no frequency). This variant has not been reported in the literature in individuals affected with SYNE2-related conditions. An algorithm developed to predict the effect of missense changes on protein structure and function (PolyPhen-2) suggests that this variant is likely to be tolerated. In summary, the available evidence is currently insufficient to determine the role of this variant in disease. Therefore, it has been classified as a Variant of Uncertain Significance.